The following is an entry in ClinVar:

ClinVar aggregate classification (germline): Uncertain significance (1 of 4 stars; one submission).

Submission:

GeneDx
Classification: Uncertain significance. Last evaluated: 2025-05-21. Review status: criteria provided, single submitter. Criteria: GeneDx Variant Classification Process June 2021. Collection method: clinical testing. Allele origin: germline. Affected: yes.
Comment: Not observed at significant frequency in large population cohorts (gnomAD); Frameshift variant predicted to result in abnormal protein length as the last 8 amino acids are replaced with 12 different amino acids; Has not been previously published as pathogenic or benign to our knowledge

NM_025114.4(CEP290):c.7414del (p.Ser2472fs)

Genes: CEP290 (centrosomal protein 290; minus strand), RLIG1 (RNA 5'-phosphate and 3'-OH ligase 1; plus strand). Cytogenetic location: 12q21.32.
Variant type: Deletion.
Coding change: c.7414del on transcript NM_025114.4 (MANE Select); coding-DNA position 7414, one base deleted (A; older notation c.7414delA).
Protein change: p.Ser2472fs; shifts the reading frame from serine 2472.
Molecular consequence: frameshift variant. On other transcripts: 3 prime UTR variant (1).
Genome position (GRCh38, 1-based): chr12:88,049,210, T deleted on the plus strand (A on the coding strand, the reverse complement: CEP290 is on the minus strand); the first of 3 consecutive T bases (chr12:88,049,210-88,049,212); deleting any one gives the same sequence. VCF-style (leftmost placement, unchanged base first): chr12-88049209-CT-C. GRCh37 (hg19) VCF-style: chr12-88442986-CT-C.
Other names: c.*790del (NM_001009894.3); short protein forms S2472fs.
Identifiers: ClinVar variation 4530980 (VCV004530980.1).